The following is an entry in ClinVar:

ClinVar aggregate classification (germline): Uncertain significance. Review status: criteria provided, multiple submitters, no conflicts (2 of 4 stars). 2 submissions from 2 submitters: Uncertain significance (2). Last evaluated 2023-09-06.

Conditions:
Inborn genetic diseases. Identifiers: MedGen C0950123, MeSH D030342.
Charcot-Marie-Tooth disease dominant intermediate F. Identifiers: Orphanet 352670, MedGen C4749463, MONDO:0014074, OMIM 615185.

Allele frequency attached by ClinVar (database versions not stated): gnomAD exomes below 0.00001; ExAC 0.00001.
gnomAD v4.1: 2 of 1,613,956 alleles (0.00012%); highest among the groups gnomAD compares: African/African-American, 0.0013%; no homozygotes.

Submissions (2):

Labcorp Genetics (formerly Invitae), Labcorp
Classification: Uncertain significance for Charcot-Marie-Tooth disease dominant intermediate F. Last evaluated: 2023-09-06. Review status: criteria provided, single submitter. Criteria: Invitae Variant Classification Sherloc (09022015). Collection method: clinical testing. Allele origin: germline.
Comment: In summary, the available evidence is currently insufficient to determine the role of this variant in disease. Therefore, it has been classified as a Variant of Uncertain Significance. ClinVar contains an entry for this variant (Variation ID: 838258). This variant has not been reported in the literature in individuals affected with GNB4-related conditions. This variant is present in population databases (rs748747265, gnomAD 0.003%). This sequence change creates a premature translational stop signal (p.Arg214*) in the GNB4 gene. It is expected to result in an absent or disrupted protein product. However, the current clinical and genetic evidence is not sufficient to establish whether loss-of-function variants in GNB4 cause disease.

Ambry Genetics
Classification: Uncertain significance for Inborn genetic diseases. Last evaluated: 2021-12-29. Review status: criteria provided, single submitter. Criteria: Ambry Variant Classification Scheme 2023. Collection method: clinical testing. Allele origin: germline.
Comment: The p.R214* variant (also known as c.640C>T), located in coding exon 7 of the GNB4 gene, results from a C to T substitution at nucleotide position 640. This changes the amino acid from an arginine to a stop codon within coding exon 7. This alteration is expected to result in loss of function by premature protein truncation or nonsense-mediated mRNA decay. However, loss of function of GNB4 has not been clearly established as a mechanism of disease. Since supporting evidence is limited at this time, the clinical significance of this alteration remains unclear.

NM_021629.4(GNB4):c.640C>T (p.Arg214Ter)

Gene: GNB4 (G protein subunit beta 4; minus strand). Cytogenetic location: 3q26.33.
Variant type: single nucleotide variant.
Coding change: c.640C>T on transcript NM_021629.4 (MANE Select); coding-DNA position 640, C replaced by T.
Protein change: p.Arg214Ter; replaces arginine 214 with a stop codon.
Molecular consequence: nonsense.
Genome position (GRCh38, 1-based): chr3:179,413,471, G>A on the plus strand (C>T on the coding strand, the complement: GNB4 is on the minus strand). VCF-style: chr3-179413471-G-A. GRCh37 (hg19) VCF-style: chr3-179131259-G-A.
Other names: short protein forms R214*.
Identifiers: ClinVar variation 838258 (VCV000838258.9), dbSNP rs748747265, ClinGen allele CA2712453.